The following is an entry in ClinVar:

ClinVar aggregate classification (germline): Uncertain significance (1 of 4 stars; one submission).

Conditions:
Compton-North congenital myopathy (CMYO12). Identifiers: Orphanet 210163, MedGen C2675527, MONDO:0012929, OMIM 612540.

Allele frequency attached by ClinVar (database versions not stated): gnomAD exomes below 0.00001; TOPMed 0.00001.

Submission:

Labcorp Genetics (formerly Invitae), Labcorp
Classification: Uncertain significance for Compton-North congenital myopathy. Last evaluated: 2022-07-06. Review status: criteria provided, single submitter. Criteria: Invitae Variant Classification Sherloc (09022015). Collection method: clinical testing. Allele origin: germline.
Comment: Advanced modeling of protein sequence and biophysical properties (such as structural, functional, and spatial information, amino acid conservation, physicochemical variation, residue mobility, and thermodynamic stability) performed at Invitae indicates that this missense variant is not expected to disrupt CNTN1 protein function. This variant has not been reported in the literature in individuals affected with CNTN1-related conditions. This variant is not present in population databases (gnomAD no frequency). This sequence change replaces proline, which is neutral and non-polar, with serine, which is neutral and polar, at codon 216 of the CNTN1 protein (p.Pro216Ser). In summary, the available evidence is currently insufficient to determine the role of this variant in disease. Therefore, it has been classified as a Variant of Uncertain Significance.

NM_001843.4(CNTN1):c.646C>T (p.Pro216Ser)

Gene: CNTN1 (contactin 1; plus strand). Cytogenetic location: 12q12.
Variant type: single nucleotide variant.
Coding change: c.646C>T on transcript NM_001843.4 (MANE Select); coding-DNA position 646, C replaced by T.
Protein change: p.Pro216Ser; replaces proline 216 with serine.
Molecular consequence: missense variant.
Genome position (GRCh38, 1-based): chr12:40,929,945, C>T. VCF-style: chr12-40929945-C-T. GRCh37 (hg19) VCF-style: chr12-41323747-C-T.
Other names: c.646C>T, p.Pro216Ser (NM_001256063.2, NM_001256064.2); c.613C>T, p.Pro205Ser (NM_175038.2); short protein forms P205S, P216S.
Identifiers: ClinVar variation 1976504 (VCV001976504.5), dbSNP rs1331346489, ClinGen allele CA384422778.
Genomic context (GRCh38, chr12:40,929,945, plus strand): 5'-CTCTACATTGCAAATGTTGAGGCTTCCGACAAAGGCAATTATTCCTGCTTTGTTTCCAGT[C>T]CTTCTATTACAAAGAGCGTGTTCAGCAAATTCATCCCACTCATTCCAATACCTGAACGTA-3'
Protein context (NP_001834.2, residues 206-226): KGNYSCFVSS[Pro216Ser]SITKSVFSKF